The following is an entry in ClinVar:

ClinVar aggregate classification (germline): Benign/Likely benign. Review status: criteria provided, multiple submitters, no conflicts (2 of 4 stars). 4 submissions from 4 submitters: Benign (2); Likely benign (2). Last evaluated 2026-01-06.

Conditions:
Hereditary spastic paraplegia 48. Also called: SPASTIC PARAPLEGIA 48, AUTOSOMAL RECESSIVE; Spastic paraplegia 48. Identifiers: Orphanet 306511, MedGen C3150901, MONDO:0013342, OMIM 613647.

Allele frequency attached by ClinVar (database versions not stated): ESP Exome Variant Server 0.00009; gnomAD 0.00053 and 0.00075; TOPMed 0.00099; ExAC 0.00140; gnomAD exomes 0.00140; 1000 Genomes Project 30x 0.00281; 1000 Genomes Project 0.00300.

Submissions (4):

Labcorp Genetics (formerly Invitae), Labcorp
Classification: Benign for Hereditary spastic paraplegia 48. Last evaluated: 2026-01-06. Review status: criteria provided, single submitter. Criteria: Invitae Variant Classification Sherloc (09022015). Collection method: clinical testing. Allele origin: germline.

Blueprint Genetics
Classification: Likely benign. Last evaluated: 2024-09-18. Review status: criteria provided, single submitter. Criteria: ACMG Guidelines, 2015. Collection method: clinical testing. Allele origin: germline.

Mayo Clinic Laboratories, Mayo Clinic
Classification: Benign. Last evaluated: 2024-01-03. Review status: criteria provided, single submitter. Criteria: ACMG Guidelines, 2015. Collection method: clinical testing. Allele origin: germline. Observed: 2 variant alleles.
Comment: BA1, BS2, BP4, BP7

Illumina Laboratory Services, Illumina
Classification: Likely benign for Hereditary spastic paraplegia 48. Last evaluated: 2018-01-12. Review status: criteria provided, single submitter. Criteria: ICSL Variant Classification Criteria 13 December 2019. Collection method: clinical testing. Allele origin: germline.
Comment: This variant was observed in the ICSL laboratory as part of a predisposition screen in an ostensibly healthy population. It had not been previously curated by ICSL or reported in the Human Gene Mutation Database (HGMD: prior to June 1st, 2018), and was therefore a candidate for classification through an automated scoring system. Utilizing variant allele frequency, disease prevalence and penetrance estimates, and inheritance mode, an automated score was calculated to assess if this variant is too frequent to cause the disease. Based on the score and internal cut-off values, a variant classified as likely benign is not then subjected to further curation. The score for this variant resulted in a classification of likely benign for this disease.

NM_014855.3(AP5Z1):c.588C>T (p.Ser196=)

Gene: AP5Z1 (adaptor related protein complex 5 subunit zeta 1; plus strand). Cytogenetic location: 7p22.1.
Variant type: single nucleotide variant.
Coding change: c.588C>T on transcript NM_014855.3 (MANE Select); coding-DNA position 588, C replaced by T.
Protein change: p.Ser196=; no amino-acid change (serine 196 retained).
Molecular consequence: synonymous variant. On other transcripts: non-coding transcript variant (1).
Genome position (GRCh38, 1-based): chr7:4,783,765, C>T. VCF-style: chr7-4783765-C-T. GRCh37 (hg19) VCF-style: chr7-4823396-C-T.
Other names: p.Ser196=; c.588C>T, p.Ser196= (LRG_1247t1); c.120C>T, p.Ser40= (NM_001364858.1).
Identifiers: ClinVar variation 220657 (VCV000220657.16), dbSNP rs146665638, ClinGen allele CA348028.